The following is an entry in ClinVar:

NM_001365951.3(KIF1B):c.3949+1G>A

Gene: KIF1B (kinesin family member 1B; plus strand). Cytogenetic location: 1p36.22.
Variant type: single nucleotide variant.
Coding change: c.3949+1G>A on transcript NM_001365951.3 (MANE Select); the canonical splice donor site of the intron after coding-DNA position 3949, G replaced by A.
Molecular consequence: splice donor variant.
Genome position (GRCh38, 1-based): chr1:10,348,734, G>A. VCF-style: chr1-10348734-G-A. GRCh37 (hg19) VCF-style: chr1-10408792-G-A.
Other names: c.3811+1G>A (NM_015074.3); c.3949+1G>A (NM_001365952.1).
Identifiers: ClinVar variation 4858837 (VCV004858837.1).

ClinVar aggregate classification (germline): Uncertain significance (1 of 4 stars; one submission).

Submission:

Ambry Genetics
Classification: Uncertain significance. Last evaluated: 2026-04-17. Review status: criteria provided, single submitter. Criteria: Ambry Variant Classification Scheme 2023. Collection method: clinical testing. Allele origin: germline.
Comment: The c.3811+1G>A intronic variant results from a G to A substitution one nucleotide after coding exon 34 of the KIF1B gene. This nucleotide position is highly conserved in available vertebrate species. In silico splice site analysis predicts that this alteration will weaken the native splice donor site. The evidence for this gene-disease relationship is limited; therefore, the clinical significance of this variant is unclear.